The following is an entry in ClinVar:

ClinVar aggregate classification (germline): Uncertain significance (1 of 4 stars; one submission).

Conditions:
Charcot-Marie-Tooth disease type 4. Also called: Charcot-Marie-Tooth disease, type IV; Charcot-Marie-Tooth, Type 4. Identifiers: Orphanet 64749, MedGen C4082197, MONDO:0018995.

Submission:

Labcorp Genetics (formerly Invitae), Labcorp
Classification: Uncertain significance for Charcot-Marie-Tooth disease type 4. Last evaluated: 2018-08-07. Review status: criteria provided, single submitter. Criteria: Invitae Variant Classification Sherloc (09022015). Collection method: clinical testing. Allele origin: germline.
Comment: In summary, the available evidence is currently insufficient to determine the role of this variant in disease. Therefore, it has been classified as a Variant of Uncertain Significance. This variant has not been reported in the literature in individuals with PRX-related disease. This variant is not present in population databases (ExAC no frequency). This sequence change results in a premature translational stop signal in the PRX gene (p.Glu1290*). While this is not anticipated to result in nonsense mediated decay, it is expected to disrupt the last 172 amino acids of the PRX protein.

NM_181882.3(PRX):c.3868G>T (p.Glu1290Ter)

Gene: PRX (periaxin; minus strand). Cytogenetic location: 19q13.2.
Variant type: single nucleotide variant.
Coding change: c.3868G>T on transcript NM_181882.3 (MANE Select); coding-DNA position 3868, G replaced by T.
Protein change: p.Glu1290Ter; replaces glutamic acid 1290 with a stop codon.
Molecular consequence: nonsense. On other transcripts: 3 prime UTR variant (1).
Genome position (GRCh38, 1-based): chr19:40,394,484, C>A on the plus strand (G>T on the coding strand, the complement: PRX is on the minus strand). VCF-style: chr19-40394484-C-A. GRCh37 (hg19) VCF-style: chr19-40900391-C-A.
Other names: c.*4073G>T (NM_020956.2); short protein forms E1290*.
Identifiers: ClinVar variation 648953 (VCV000648953.8), dbSNP rs773955274, ClinGen allele CA405891862.